The following is an entry in ClinVar:

ClinVar aggregate classification (germline): Uncertain significance (1 of 4 stars; one submission).

Allele frequency attached by ClinVar (database versions not stated): gnomAD exomes below 0.00001.

Submission:

Laboratory for Molecular Medicine, Mass General Brigham Personalized Medicine
Classification: Uncertain significance. Last evaluated: 2018-08-22. Review status: criteria provided, single submitter. Criteria: LMM Criteria. Collection method: clinical testing. Allele origin: germline. Observed: 1 variant allele.
Comment: The p.Met199Thr variant in GIPC3 has not been previously reported in individuals with hearing loss, but has been identified in 0.003% (1/30780) of South Asian c hromosomes by the Genome Aggregation Database (gnomAD). Computational prediction tools and conservation analysis do not provid e strong support for or against an impact to the protein. In summary, the clinic al significance of the p.Met199Thr variant is uncertain. ACMG/AMP Criteria appli ed: PM2.

NM_133261.3(GIPC3):c.596T>C (p.Met199Thr)

Gene: GIPC3 (GIPC PDZ domain containing family member 3; plus strand). Cytogenetic location: 19p13.3.
Variant type: single nucleotide variant.
Coding change: c.596T>C on transcript NM_133261.3 (MANE Select); coding-DNA position 596, T replaced by C.
Protein change: p.Met199Thr; replaces methionine 199 with threonine.
Molecular consequence: missense variant.
Genome position (GRCh38, 1-based): chr19:3,589,446, T>C. VCF-style: chr19-3589446-T-C. GRCh37 (hg19) VCF-style: chr19-3589444-T-C.
Other names: short protein forms M199T.
Identifiers: ClinVar variation 667240 (VCV000667240.4), dbSNP rs1241786174, ClinGen allele CA403363931.
Genomic context (GRCh38, chr19:3,589,446, plus strand): 5'-TACAAAGATGTGGCTCCACCCAGAACCCATGGCCATCCCTCACTCTGTTCCCTCCAGATA[T>C]GATTGGCCAGAGAAGTCGGTCCAGCAAATGTCCAGTAGAGGCGAAAGTGACCAGCGGGAG-3'
Protein context (NP_573568.1, residues 189-209): RLVQPKRAFD[Met199Thr]IGQRSRSSKC